The following is an entry in ClinVar:

ClinVar aggregate classification (germline): Uncertain significance (1 of 4 stars; one submission).

Submission:

Labcorp Genetics (formerly Invitae), Labcorp
Classification: Uncertain significance. Last evaluated: 2024-05-20. Review status: criteria provided, single submitter. Criteria: Invitae Variant Classification Sherloc (09022015). Collection method: clinical testing. Allele origin: germline.
Comment: This sequence change replaces leucine, which is neutral and non-polar, with proline, which is neutral and non-polar, at codon 188 of the RTTN protein (p.Leu188Pro). This variant is not present in population databases (gnomAD no frequency). This variant has not been reported in the literature in individuals affected with RTTN-related conditions. ClinVar contains an entry for this variant (Variation ID: 1382413). Advanced modeling of protein sequence and biophysical properties (such as structural, functional, and spatial information, amino acid conservation, physicochemical variation, residue mobility, and thermodynamic stability) performed at Invitae indicates that this missense variant is expected to disrupt RTTN protein function with a positive predictive value of 80%. In summary, the available evidence is currently insufficient to determine the role of this variant in disease. Therefore, it has been classified as a Variant of Uncertain Significance.

NM_173630.4(RTTN):c.563T>C (p.Leu188Pro)

Gene: RTTN (rotatin; minus strand). Cytogenetic location: 18q22.2.
Variant type: single nucleotide variant.
Coding change: c.563T>C on transcript NM_173630.4 (MANE Select); coding-DNA position 563, T replaced by C.
Protein change: p.Leu188Pro; replaces leucine 188 with proline.
Molecular consequence: missense variant. On other transcripts: 5 prime UTR variant (1).
Genome position (GRCh38, 1-based): chr18:70,199,429, A>G on the plus strand (T>C on the coding strand, the complement: RTTN is on the minus strand). VCF-style: chr18-70199429-A-G. GRCh37 (hg19) VCF-style: chr18-67866665-A-G.
Other names: c.-1991T>C (NM_001318520.2); short protein forms L188P.
Identifiers: ClinVar variation 1382413 (VCV001382413.6), dbSNP rs2146165717, ClinGen allele CA402700350.
Genomic context (GRCh38, chr18:70,199,429, plus strand): 5'-ACTATAAGTGAACAAAAATACCTGAAAATACATCAAGCACCGTACCTTTCATTAGAGGAG[A>G]GGACATGTCTGTCTGTGGTGGTCAGGGGTAGCCAAGGAAATGTAGAAAACTTCAAGCACT-3'
Protein context (NP_775901.3, residues 178-198): LPLTTTDRHV[Leu188Pro]SSNESSLRSS